The following is an entry in ClinVar:

ClinVar aggregate classification (germline): Likely pathogenic (1 of 4 stars; one submission).

Conditions:
Xanthinuria type II. Also called: Xanthine dehydrogenase and aldehyde oxidase combined deficiency of; XDH and AOX dual deficiency. Identifiers: Orphanet 3467, Orphanet 93602, MedGen C1863688, MONDO:0011346, OMIM 603592.

Submission:

Labcorp Genetics (formerly Invitae), Labcorp
Classification: Likely pathogenic for Xanthinuria type II. Last evaluated: 2023-01-31. Review status: criteria provided, single submitter. Criteria: Invitae Variant Classification Sherloc (09022015). Collection method: clinical testing. Allele origin: germline.
Comment: Algorithms developed to predict the effect of sequence changes on RNA splicing suggest that this variant may disrupt the consensus splice site. In summary, the currently available evidence indicates that the variant is pathogenic, but additional data are needed to prove that conclusively. Therefore, this variant has been classified as Likely Pathogenic. This sequence change affects a splice site in intron 9 of the MOCOS gene. It is expected to disrupt RNA splicing. Variants that disrupt the donor or acceptor splice site typically lead to a loss of protein function (PMID: 16199547), and loss-of-function variants in MOCOS are known to be pathogenic (PMID: 11302742, 17368066). This variant is not present in population databases (gnomAD no frequency). This variant has not been reported in the literature in individuals affected with MOCOS-related conditions.

Literature cited by the submitters: PubMed 16199547; PubMed 11302742; PubMed 17368066.

NM_017947.4(MOCOS):c.1960+2_1960+3del

Gene: MOCOS (molybdenum cofactor sulfurase; plus strand). Cytogenetic location: 18q12.2.
Variant type: Deletion.
Coding change: c.1960+2_1960+3del on transcript NM_017947.4 (MANE Select); the canonical splice donor site of the intron after coding-DNA position 1960 through 3 bases into the intron after coding-DNA position 1960, 2 bases deleted (TG; older notation c.1960+2_1960+3delTG).
Molecular consequence: splice donor variant.
Genome position (GRCh38, 1-based): chr18:36,220,219-36,220,220, TG deleted; deleting any 2 consecutive bases within chr18:36,220,218-36,220,220 gives the same sequence; the c. name uses the placement nearest the transcript's 3' end. VCF-style (leftmost placement, unchanged base first): chr18-36220217-GGT-G. GRCh37 (hg19) VCF-style: chr18-33800180-GGT-G.
Identifiers: ClinVar variation 2833333 (VCV002833333.3), dbSNP rs2510968407, ClinGen allele CA2739268644.